The following is an entry in ClinVar:

NM_001396030.1(NPIPB7):c.907C>G (p.Leu303Val)

Gene: NPIPB7 (nuclear pore complex interacting protein family member B7; minus strand). Cytogenetic location: 16p12.1.
Variant type: single nucleotide variant.
Coding change: c.907C>G on transcript NM_001396030.1 (MANE Select); coding-DNA position 907, C replaced by G.
Protein change: p.Leu303Val; replaces leucine 303 with valine.
Molecular consequence: missense variant.
Genome position (GRCh38, 1-based): chr16:28,456,762, G>C on the plus strand (C>G on the coding strand, the complement: NPIPB7 is on the minus strand). VCF-style: chr16-28456762-G-C. GRCh37 (hg19) VCF-style: chr16-28468083-G-C.
Other names: short protein forms L303V.
Identifiers: ClinVar variation 3024935 (VCV003024935.22), dbSNP rs879471580, ClinGen allele CA279775504.

ClinVar aggregate classification (germline): Likely benign (1 of 4 stars; one submission).

Allele frequency attached by ClinVar (database versions not stated): 1000 Genomes Project 30x 0.00375.

Submission:

CeGaT Center for Human Genetics Tuebingen
Classification: Likely benign. Last evaluated: 2023-12-01. Review status: criteria provided, single submitter. Criteria: CeGaT Center For Human Genetics Tuebingen Variant Classification Criteria Version 2. Collection method: clinical testing. Allele origin: germline. Affected: yes. Observed: 1 variant allele.
Comment: NPIPB7: BP4